The following is an entry in ClinVar:

NM_004415.4(DSP):c.3497A>G (p.Glu1166Gly)

Gene: DSP (desmoplakin; plus strand). Cytogenetic location: 6p24.3.
Variant type: single nucleotide variant.
Coding change: c.3497A>G on transcript NM_004415.4 (MANE Select); coding-DNA position 3497, A replaced by G.
Protein change: p.Glu1166Gly; replaces glutamic acid 1166 with glycine.
Molecular consequence: missense variant.
Genome position (GRCh38, 1-based): chr6:7,579,687, A>G. VCF-style: chr6-7579687-A-G. GRCh37 (hg19) VCF-style: chr6-7579920-A-G.
Other names: c.3497A>G, p.Glu1166Gly (NM_001008844.3, NM_001319034.2); short protein forms E1166G.
Identifiers: ClinVar variation 1510228 (VCV001510228.8), dbSNP rs2113691892, ClinGen allele CA362684198.
Genomic context (GRCh38, chr6:7,579,687, plus strand): 5'-GGCAATGTGAAAAGGAGAACCTTGGTTGGCAGAAATTAGAGTCTGAGAAAGCCATCAAGG[A>G]GAAGGAGTACGAGATTGAAAGGTTGAGGGTTCTACTGCAGGAAGAAGGCACCCGGAAGAG-3'
Protein context (NP_004406.2, residues 1156-1176): QKLESEKAIK[Glu1166Gly]KEYEIERLRV

ClinVar aggregate classification (germline): Uncertain significance (1 of 4 stars; one submission).

Conditions:
Arrhythmogenic cardiomyopathy with wooly hair and keratoderma. Also called: Arrhythmogenic cardiomyopathy with woolly hair and keratoderma; PALMOPLANTAR KERATODERMA WITH LEFT VENTRICULAR CARDIOMYOPATHY AND WOOLLY HAIR; Carvajal syndrome; Dilated cardiomyopathy with woolly hair and keratoderma. Identifiers: Orphanet 65282, MedGen C1854063, MONDO:0011581, OMIM 605676.
Arrhythmogenic right ventricular dysplasia 8 (ARVD8). Also called: Arrhythmogenic Right Ventricular Dysplasia/Cardiomyopathy 8; ARRHYTHMOGENIC RIGHT VENTRICULAR DYSPLASIA, FAMILIAL, 8; ARRHYTHMOGENIC RIGHT VENTRICULAR CARDIOMYOPATHY 8. Identifiers: MedGen C1843896, MONDO:0011831, OMIM 607450.

Submission:

Labcorp Genetics (formerly Invitae), Labcorp
Classification: Uncertain significance for Arrhythmogenic cardiomyopathy with wooly hair and keratoderma; Arrhythmogenic right ventricular dysplasia 8. Last evaluated: 2022-06-10. Review status: criteria provided, single submitter. Criteria: Invitae Variant Classification Sherloc (09022015). Collection method: clinical testing. Allele origin: germline.
Comment: Algorithms developed to predict the effect of missense changes on protein structure and function are either unavailable or do not agree on the potential impact of this missense change (SIFT: "Deleterious"; PolyPhen-2: "Benign"; Align-GVGD: "Class C15"). This variant has not been reported in the literature in individuals affected with DSP-related conditions. This variant is not present in population databases (gnomAD no frequency). This sequence change replaces glutamic acid, which is acidic and polar, with glycine, which is neutral and non-polar, at codon 1166 of the DSP protein (p.Glu1166Gly). In summary, the available evidence is currently insufficient to determine the role of this variant in disease. Therefore, it has been classified as a Variant of Uncertain Significance.